The following is an entry in ClinVar:

ClinVar aggregate classification (germline): Uncertain significance (1 of 4 stars; one submission).

Conditions:
Developmental and epileptic encephalopathy, 37 (DEE37). Also called: Epileptic encephalopathy, early infantile, 37. Identifiers: MedGen C4310770, MONDO:0014859, OMIM 616981.

Submission:

Labcorp Genetics (formerly Invitae), Labcorp
Classification: Uncertain significance for Developmental and epileptic encephalopathy, 37. Last evaluated: 2020-05-24. Review status: criteria provided, single submitter. Criteria: Invitae Variant Classification Sherloc (09022015). Collection method: clinical testing. Allele origin: germline.
Comment: This sequence change replaces leucine with arginine at codon 335 of the FRRS1L protein (p.Leu335Arg). The leucine residue is highly conserved and there is a moderate physicochemical difference between leucine and arginine. This variant is not present in population databases (ExAC no frequency). This variant has not been reported in the literature in individuals with FRRS1L-related conditions. Algorithms developed to predict the effect of missense changes on protein structure and function (SIFT, PolyPhen-2, Align-GVGD) all suggest that this variant is likely to be disruptive, but these predictions have not been confirmed by published functional studies and their clinical significance is uncertain. In summary, the available evidence is currently insufficient to determine the role of this variant in disease. Therefore, it has been classified as a Variant of Uncertain Significance.

NM_014334.4(FRRS1L):c.851T>G (p.Leu284Arg)

Gene: FRRS1L (ferric chelate reductase 1 like; minus strand). Cytogenetic location: 9q31.3.
Variant type: single nucleotide variant.
Coding change: c.851T>G on transcript NM_014334.4 (MANE Select); coding-DNA position 851, T replaced by G.
Protein change: p.Leu284Arg; replaces leucine 284 with arginine.
Molecular consequence: missense variant.
Genome position (GRCh38, 1-based): chr9:109,137,486, A>C on the plus strand (T>G on the coding strand, the complement: FRRS1L is on the minus strand). VCF-style: chr9-109137486-A-C. GRCh37 (hg19) VCF-style: chr9-111899766-A-C.
Other names: short protein forms L284R.
Identifiers: ClinVar variation 1061006 (VCV001061006.9), dbSNP rs2118458993, ClinGen allele CA374422743.
Genomic context (GRCh38, chr9:109,137,486, plus strand): 5'-CATGTAATCTGTTGGCCCTGCAGCTGTGGTTAGGGGGTTCCCATCAATAGGTAGAAGGTC[A>C]GAGCAACAATCAGAAGCAAACAAAATGGAGATGAGAAGGTTTGATAGGCAGCTGATGGCA-3'
Protein context (NP_055149.3, residues 274-293): SPFCLLLIVA[Leu284Arg]TFYLLMGTP